The following is an entry in ClinVar:

ClinVar aggregate classification (germline): Pathogenic. Review status: criteria provided, multiple submitters, no conflicts (2 of 4 stars). 2 submissions from 2 submitters: Pathogenic (2). Last evaluated 2019-05-28.

Conditions:
Duchenne muscular dystrophy (DMD). Also called: Duchenne Muscular Dystrophy (DMD); MUSCULAR DYSTROPHY, PSEUDOHYPERTROPHIC PROGRESSIVE, DUCHENNE TYPE. Identifiers: Orphanet 98896, MedGen C0013264, MONDO:0010679, OMIM 310200.

Submissions (2):

Mendelics
Classification: Pathogenic for Duchenne muscular dystrophy. Last evaluated: 2019-05-28. Review status: criteria provided, single submitter. Criteria: Mendelics Assertion Criteria 2017. Collection method: clinical testing. Allele origin: unknown.

Labcorp Genetics (formerly Invitae), Labcorp
Classification: Pathogenic for Duchenne muscular dystrophy. Last evaluated: 2017-12-18. Review status: criteria provided, single submitter. Criteria: Invitae Variant Classification Sherloc (09022015). Collection method: clinical testing. Allele origin: germline.
Comment: This sequence change creates a premature translational stop signal (p.Gln119Argfs*5) in the DMD gene. It is expected to result in an absent or disrupted protein product. This variant is not present in population databases (ExAC no frequency). This variant has not been reported in the literature in individuals with DMD-related disease. Loss-of-function variants in DMD are known to be pathogenic (PMID: 16770791, 25007885). For these reasons, this variant has been classified as Pathogenic.

NM_004006.3(DMD):c.356del (p.Gln119fs)

Gene: DMD (dystrophin; minus strand). Cytogenetic location: Xp21.1.
Variant type: Deletion.
Coding change: c.356del on transcript NM_004006.3 (MANE Select); coding-DNA position 356, one base deleted (A; older notation c.356delA).
Protein change: p.Gln119fs; shifts the reading frame from glutamine 119.
Molecular consequence: frameshift variant. On other transcripts: 5 prime UTR variant (1).
Genome position (GRCh38, 1-based): chrX:32,823,296, T deleted on the plus strand (A on the coding strand, the reverse complement: DMD is on the minus strand). VCF-style (leftmost placement, unchanged base first): chrX-32823295-CT-C. GRCh37 (hg19) VCF-style: chrX-32841412-CT-C.
Other names: c.356delA (NM_004006.2); c.332del, p.Gln111fs (NM_000109.4); c.344del, p.Gln115fs (NM_004009.3); c.-14del (NM_004010.3); short protein forms Q111fs, Q115fs, Q119fs.
Identifiers: ClinVar variation 526099 (VCV000526099.2), dbSNP rs1557058308, ClinGen allele CA658799685.